The following is an entry in ClinVar:

ClinVar aggregate classification (germline): Uncertain significance. Review status: criteria provided, multiple submitters, no conflicts (2 of 4 stars). 6 submissions from 6 submitters: Uncertain significance (4). 2 of the submissions do not count toward it. Last evaluated 2026-02-12.

Conditions:
Achromatopsia. Also called: Rod monochromatism. Identifiers: Orphanet 49382, MedGen C0152200, MONDO:0018852, HP:0011516.
CNGB3-related disorder. Also called: CNGB3-related condition; CNGB3-related disorders. Identifiers: MedGen CN239340.
Retinal dystrophy. Also called: Inherited retinal dystrophy. Identifiers: Orphanet 71862, MedGen C0854723, MeSH D058499, MONDO:0019118, HP:0000556.

Allele frequency attached by ClinVar (database versions not stated): gnomAD 0.00002; TOPMed 0.00004; ExAC 0.00001; gnomAD exomes 0.00001.
gnomAD v4.1: 46 of 1,613,566 alleles (0.0029%); highest among the groups gnomAD compares: African/African-American, 0.036%; 1 homozygote.

Submissions (6):

PreventionGenetics, part of Exact Sciences
Classification: Uncertain significance for CNGB3-related condition. Last evaluated: 2026-02-12. Review status: criteria provided, single submitter. Criteria: ACMG Guidelines, 2015. Collection method: clinical testing. Allele origin: germline.
Comment: The CNGB3 c.221C>T variant is predicted to result in the amino acid substitution p.Ser74Phe. This variant was reported in an individual with retinal dystrophy; however, a possible molecular diagnosis was identified in a different gene in this patient (supplementary data, Mihalich et al. 2024. PubMed ID: 38927702). This variant is reported in 0.0033% of alleles in individuals of South Asian descent in gnomAD. At this time, the clinical significance of this variant is uncertain due to the absence of conclusive functional and genetic evidence.

Blueprint Genetics
Classification: Uncertain significance. Last evaluated: 2024-01-30. Review status: criteria provided, single submitter. Criteria: ACMG Guidelines, 2015. Collection method: clinical testing. Allele origin: germline.

Labcorp Genetics (formerly Invitae), Labcorp
Classification: Uncertain significance. Last evaluated: 2022-10-24. Review status: criteria provided, single submitter. Criteria: Invitae Variant Classification Sherloc (09022015). Collection method: clinical testing. Allele origin: germline.
Comment: This sequence change replaces serine, which is neutral and polar, with phenylalanine, which is neutral and non-polar, at codon 74 of the CNGB3 protein (p.Ser74Phe). This variant is present in population databases (rs762689312, gnomAD 0.003%). This variant has not been reported in the literature in individuals affected with CNGB3-related conditions. ClinVar contains an entry for this variant (Variation ID: 493482). Advanced modeling of protein sequence and biophysical properties (such as structural, functional, and spatial information, amino acid conservation, physicochemical variation, residue mobility, and thermodynamic stability) performed at Invitae indicates that this missense variant is not expected to disrupt CNGB3 protein function. In summary, the available evidence is currently insufficient to determine the role of this variant in disease. Therefore, it has been classified as a Variant of Uncertain Significance.

CeGaT Center for Human Genetics Tuebingen
Classification: Uncertain significance. Last evaluated: 2017-09-01. Review status: criteria provided, single submitter. Criteria: CeGaT Center For Human Genetics Tuebingen Variant Classification Criteria Version 2. Collection method: clinical testing. Allele origin: germline. Affected: yes. Observed: 1 variant allele.

Institute of Human Genetics, Univ. Regensburg, Univ. Regensburg
Classification: Uncertain significance for Retinal dystrophy. Last evaluated: 2022-01-01. Review status: no assertion criteria provided. Criteria: ACMG Guidelines, 2015. Collection method: clinical testing. Allele origin: germline. Affected: yes. Not counted in ClinVar's aggregate classification.

Natera, Inc.
Classification: Uncertain significance for Achromatopsia. Last evaluated: 2019-12-31. Review status: no assertion criteria provided. Collection method: clinical testing. Allele origin: germline. Not counted in ClinVar's aggregate classification.

NM_019098.5(CNGB3):c.221C>T (p.Ser74Phe)

Gene: CNGB3 (cyclic nucleotide gated channel subunit beta 3; minus strand). Cytogenetic location: 8q21.3.
Variant type: single nucleotide variant.
Coding change: c.221C>T on transcript NM_019098.5 (MANE Select); coding-DNA position 221, C replaced by T.
Protein change: p.Ser74Phe; replaces serine 74 with phenylalanine.
Molecular consequence: missense variant.
Genome position (GRCh38, 1-based): chr8:86,726,648, G>A on the plus strand (C>T on the coding strand, the complement: CNGB3 is on the minus strand). VCF-style: chr8-86726648-G-A. GRCh37 (hg19) VCF-style: chr8-87738876-G-A.
Other names: short protein forms S74F.
Identifiers: ClinVar variation 493482 (VCV000493482.48), dbSNP rs762689312, ClinGen allele CA4800455.